The following is an entry in ClinVar:

NC_000013.10:g.(?_111268022)_(111274733_?)del

Gene: NAXD (NAD(P)HX dehydratase; plus strand). Cytogenetic location: 13q34.
Variant type: Deletion.
Identifiers: ClinVar variation 2426457 (VCV002426457.3).

ClinVar aggregate classification (germline): Pathogenic (1 of 4 stars; one submission).

Submission:

Labcorp Genetics (formerly Invitae), Labcorp
Classification: Pathogenic. Last evaluated: 2024-01-22. Review status: criteria provided, single submitter. Criteria: Invitae Variant Classification Sherloc (09022015). Collection method: clinical testing. Allele origin: germline.
Comment: This variant is a gross deletion of the genomic region encompassing exon(s) 1-2 of the NAXD gene, which includes the initiator codon. This deletion extends beyond the assayed region for this gene and therefore may encompass additional genes. It is expected to result in an absent or disrupted protein product. Loss-of-function variants in NAXD are known to be pathogenic (PMID: 30576410, 32462209). This variant has not been reported in the literature in individuals affected with NAXD-related conditions. For these reasons, this variant has been classified as Pathogenic.

Literature cited by the submitters: PubMed 30576410; PubMed 32462209.